The following is an entry in ClinVar:

ClinVar aggregate classification (germline): Uncertain significance. Review status: criteria provided, multiple submitters, no conflicts (2 of 4 stars). 2 submissions from 2 submitters: Uncertain significance (2). Last evaluated 2025-10-29.

Conditions:
Hypertrophic cardiomyopathy. Also called: HYPERTROPHIC MYOCARDIOPATHY. Identifiers: Orphanet 217569, MedGen C0007194, MeSH D002312, MONDO:0005045, HP:0001639.

Allele frequency attached by ClinVar (database versions not stated): gnomAD 0.00001; gnomAD exomes 0.00001; TOPMed 0.00007.
gnomAD v4.1: 5 of 1,613,662 alleles (0.00031%); highest among the groups gnomAD compares: Admixed American, 0.0033%; no homozygotes.

Submissions (2):

Labcorp Genetics (formerly Invitae), Labcorp
Classification: Uncertain significance for Hypertrophic cardiomyopathy. Last evaluated: 2025-10-29. Review status: criteria provided, single submitter. Criteria: Invitae Variant Classification Sherloc (09022015). Collection method: clinical testing. Allele origin: germline.
Comment: This sequence change replaces glutamine, which is neutral and polar, with leucine, which is neutral and non-polar, at codon 30 of the MYOM1 protein (p.Gln30Leu). This variant is present in population databases (no rsID available, gnomAD 0.003%). This variant has not been reported in the literature in individuals affected with MYOM1-related conditions. ClinVar contains an entry for this variant (Variation ID: 1408217). An algorithm developed to predict the effect of missense changes on protein structure and function (PolyPhen-2) suggests that this variant is likely to be tolerated. In summary, the available evidence is currently insufficient to determine the role of this variant in disease. Therefore, it has been classified as a Variant of Uncertain Significance.

Ambry Genetics
Classification: Uncertain significance. Last evaluated: 2025-01-21. Review status: criteria provided, single submitter. Criteria: Ambry Variant Classification Scheme 2023. Collection method: clinical testing. Allele origin: germline.
Comment: The p.Q30L variant (also known as c.89A>T), located in coding exon 1 of the MYOM1 gene, results from an A to T substitution at nucleotide position 89. The glutamine at codon 30 is replaced by leucine, an amino acid with dissimilar properties. This amino acid position is conserved. In addition, this alteration is predicted to be tolerated by in silico analysis. Based on the available evidence, the clinical significance of this variant remains unclear.

NM_003803.4(MYOM1):c.89A>T (p.Gln30Leu)

Gene: MYOM1 (myomesin 1; minus strand). Cytogenetic location: 18p11.31.
Variant type: single nucleotide variant.
Coding change: c.89A>T on transcript NM_003803.4 (MANE Select); coding-DNA position 89, A replaced by T.
Protein change: p.Gln30Leu; replaces glutamine 30 with leucine.
Molecular consequence: missense variant.
Genome position (GRCh38, 1-based): chr18:3,215,135, T>A on the plus strand (A>T on the coding strand, the complement: MYOM1 is on the minus strand). VCF-style: chr18-3215135-T-A. GRCh37 (hg19) VCF-style: chr18-3215133-T-A.
Other names: c.89A>T (NM_003803.3); c.89A>T, p.Gln30Leu (NM_019856.2); short protein forms Q30L.
Identifiers: ClinVar variation 1408217 (VCV001408217.10), dbSNP rs959971633, ClinGen allele CA295537586.